The following is an entry in ClinVar:

ClinVar aggregate classification (germline): Uncertain significance. Review status: criteria provided, multiple submitters, no conflicts (2 of 4 stars). 3 submissions from 3 submitters: Uncertain significance (2). 1 of the submissions does not count toward it. Last evaluated 2022-07-12.

Conditions:
Retinitis pigmentosa 26 (RP26). Identifiers: Orphanet 791, MedGen C1842127, MONDO:0012024, OMIM 608380.

Allele frequency attached by ClinVar (database versions not stated): gnomAD 0.00001; gnomAD exomes 0.00002; ExAC 0.00004; ESP Exome Variant Server 0.00008.
gnomAD v4.1: 13 of 1,584,548 alleles (0.00082%); highest among the groups gnomAD compares: Admixed American, 0.0017%; no homozygotes.

Submissions (3):

Labcorp Genetics (formerly Invitae), Labcorp
Classification: Uncertain significance. Last evaluated: 2022-07-12. Review status: criteria provided, single submitter. Criteria: Invitae Variant Classification Sherloc (09022015). Collection method: clinical testing. Allele origin: germline.
Comment: This sequence change replaces alanine, which is neutral and non-polar, with threonine, which is neutral and polar, at codon 12 of the CERKL protein (p.Ala12Thr). This variant is present in population databases (rs376374604, gnomAD 0.006%). This variant has not been reported in the literature in individuals affected with CERKL-related conditions. ClinVar contains an entry for this variant (Variation ID: 843395). Algorithms developed to predict the effect of missense changes on protein structure and function are either unavailable or do not agree on the potential impact of this missense change (SIFT: "Tolerated"; PolyPhen-2: "Possibly Damaging"; Align-GVGD: "Class C0"). In summary, the available evidence is currently insufficient to determine the role of this variant in disease. Therefore, it has been classified as a Variant of Uncertain Significance.

Blueprint Genetics
Classification: Uncertain significance. Last evaluated: 2019-08-19. Review status: criteria provided, single submitter. Criteria: ACMG Guidelines, 2015. Collection method: clinical testing. Allele origin: germline.

Natera, Inc.
Classification: Uncertain significance for Retinitis pigmentosa type 26. Last evaluated: 2020-09-16. Review status: no assertion criteria provided. Collection method: clinical testing. Allele origin: germline. Not counted in ClinVar's aggregate classification.

NM_201548.5(CERKL):c.34G>A (p.Ala12Thr)

Genes: CERKL (CERK like autophagy regulator; minus strand), LOC129935215 (ATAC-STARR-seq lymphoblastoid silent region 12158; plus strand). Cytogenetic location: 2q31.3.
Variant type: single nucleotide variant.
Coding change: c.34G>A on transcript NM_201548.5 (MANE Select); coding-DNA position 34, G replaced by A.
Protein change: p.Ala12Thr; replaces alanine 12 with threonine.
Molecular consequence: missense variant. On other transcripts: non-coding transcript variant (2).
Genome position (GRCh38, 1-based): chr2:181,656,973, C>T on the plus strand (G>A on the coding strand, the complement: CERKL is on the minus strand). VCF-style: chr2-181656973-C-T. GRCh37 (hg19) VCF-style: chr2-182521700-C-T.
Other names: c.34G>A, p.Ala12Thr (NM_001030311.3, NM_001030312.3, NM_001030313.3 and 1 more transcripts); short protein forms A12T.
Identifiers: ClinVar variation 843395 (VCV000843395.5), dbSNP rs376374604, ClinGen allele CA2010973.